The following is an entry in ClinVar:

ClinVar aggregate classification (germline): Uncertain significance (1 of 4 stars; one submission).

Submission:

GeneDx
Classification: Uncertain significance. Last evaluated: 2024-01-23. Review status: criteria provided, single submitter. Criteria: GeneDx Variant Classification Process June 2021. Collection method: clinical testing. Allele origin: germline. Affected: yes.
Comment: Not observed at significant frequency in large population cohorts (gnomAD); In silico analysis supports that this missense variant does not alter protein structure/function; Has not been previously published as pathogenic or benign to our knowledge; This variant is associated with the following publications: (PMID: 21520338, 31554319, 9590290, 16718611)

NM_005422.4(TECTA):c.5993A>G (p.Glu1998Gly)

Genes: TBCEL-TECTA (TBCEL-TECTA readthrough; plus strand), TECTA (tectorin alpha; plus strand). Cytogenetic location: 11q23.3.
Variant type: single nucleotide variant.
Coding change: c.5993A>G on transcript NM_005422.4 (MANE Select); coding-DNA position 5993, A replaced by G.
Protein change: p.Glu1998Gly; replaces glutamic acid 1998 with glycine.
Molecular consequence: missense variant.
Genome position (GRCh38, 1-based): chr11:121,168,919, A>G. VCF-style: chr11-121168919-A-G. GRCh37 (hg19) VCF-style: chr11-121039628-A-G.
Other names: c.6935A>G, p.Glu2312Gly (NM_001378761.1); short protein forms E1998G, E2312G.
Identifiers: ClinVar variation 3343712 (VCV003343712.1).
Genomic context (GRCh38, chr11:121,168,919, plus strand): 5'-ACAAATGCTATGCCACACCCACCCGAGATAGCAATGATAAGCTCCGATATTTCATCATTG[A>G]AGGAGGGTGAGTAGCCTCTTTATAGACAACATTCTCAGAGCTTCAGGTATAATATTGTCC-3'
Protein context (NP_005413.2, residues 1988-2008): SNDKLRYFII[Glu1998Gly]GGCQNLKDNT